The following is an entry in ClinVar:

ClinVar aggregate classification (germline): Uncertain significance (1 of 4 stars; one submission).

Conditions:
Fanconi anemia (FA). Also called: Fanconi's anemia. Identifiers: Orphanet 84, MedGen C0015625, MeSH D005199, MONDO:0019391.

Submission:

Labcorp Genetics (formerly Invitae), Labcorp
Classification: Uncertain significance for Fanconi anemia. Last evaluated: 2022-07-21. Review status: criteria provided, single submitter. Criteria: Invitae Variant Classification Sherloc (09022015). Collection method: clinical testing. Allele origin: germline.
Comment: In summary, the available evidence is currently insufficient to determine the role of this variant in disease. Therefore, it has been classified as a Variant of Uncertain Significance. Algorithms developed to predict the effect of missense changes on protein structure and function output the following: SIFT: "Tolerated"; PolyPhen-2: "Benign"; Align-GVGD: "Class C0". The asparagine amino acid residue is found in multiple mammalian species, which suggests that this missense change does not adversely affect protein function. This variant has not been reported in the literature in individuals affected with FANCM-related conditions. This variant is present in population databases (rs200194850, gnomAD 0.0009%). This sequence change replaces threonine, which is neutral and polar, with asparagine, which is neutral and polar, at codon 808 of the FANCM protein (p.Thr808Asn).

NM_020937.4(FANCM):c.2423C>A (p.Thr808Asn)

Gene: FANCM (FA complementation group M; plus strand). Cytogenetic location: 14q21.2.
Variant type: single nucleotide variant.
Coding change: c.2423C>A on transcript NM_020937.4 (MANE Select); coding-DNA position 2423, C replaced by A.
Protein change: p.Thr808Asn; replaces threonine 808 with asparagine.
Molecular consequence: missense variant.
Genome position (GRCh38, 1-based): chr14:45,175,177, C>A. VCF-style: chr14-45175177-C-A. GRCh37 (hg19) VCF-style: chr14-45644380-C-A.
Other names: c.2345C>A, p.Thr782Asn (NM_001308133.2); short protein forms T808N, T782N.
Identifiers: ClinVar variation 2037551 (VCV002037551.4), dbSNP rs200194850, ClinGen allele CA259627656.